The following is an entry in ClinVar:

NM_002225.5(IVD):c.88C>T (p.His30Tyr)

Gene: IVD (isovaleryl-CoA dehydrogenase; plus strand). Cytogenetic location: 15q15.1.
Variant type: single nucleotide variant.
Coding change: c.88C>T on transcript NM_002225.5 (MANE Select); coding-DNA position 88, C replaced by T.
Protein change: p.His30Tyr; replaces histidine 30 with tyrosine.
Molecular consequence: missense variant. On other transcripts: 5 prime UTR variant (1), non-coding transcript variant (1).
Genome position (GRCh38, 1-based): chr15:40,405,915, C>T. VCF-style: chr15-40405915-C-T. GRCh37 (hg19) VCF-style: chr15-40698116-C-T.
Other names: c.88C>T, p.His30Tyr (NM_001159508.3, NM_001354598.3, NM_001354599.3 and 2 more transcripts); c.-340C>T (NM_001354597.3); short protein forms H30Y.
Identifiers: ClinVar variation 258592 (VCV000258592.26), dbSNP rs73383128, ClinGen allele CA7480482.

ClinVar aggregate classification (germline): Benign. Review status: criteria provided, multiple submitters, no conflicts (2 of 4 stars). 8 submissions from 8 submitters: Benign (7). 1 of the submissions does not count toward it. Last evaluated 2026-02-01.

Conditions:
Isovaleryl-CoA dehydrogenase deficiency (IVA). Also called: Classic Isovaleric Acidemia; IVD DEFICIENCY; ISOVALERIC ACID CoA DEHYDROGENASE DEFICIENCY; Isovaleric acidemia. Identifiers: Orphanet 33, MedGen C0268575, MONDO:0009475, OMIM 243500.

Allele frequency attached by ClinVar (database versions not stated): gnomAD exomes 0.00079 and 0.00215; ExAC 0.00290; 1000 Genomes Project 30x 0.00859; gnomAD 0.00876 and 0.00938; 1000 Genomes Project 0.00879; TOPMed 0.00955; ESP Exome Variant Server 0.00984.

Submissions (8):

Labcorp Genetics (formerly Invitae), Labcorp
Classification: Benign for Isovaleryl-CoA dehydrogenase deficiency. Last evaluated: 2026-02-01. Review status: criteria provided, single submitter. Criteria: Invitae Variant Classification Sherloc (09022015). Collection method: clinical testing. Allele origin: germline.

ARUP Laboratories, Molecular Genetics and Genomics, ARUP Laboratories
Classification: Benign for Isovaleryl-CoA dehydrogenase deficiency. Last evaluated: 2025-06-03. Review status: criteria provided, single submitter. Criteria: ARUP Molecular Germline Variant Investigation Process 2024. Collection method: clinical testing. Allele origin: germline.

Illumina Laboratory Services, Illumina
Classification: Benign for Isovaleryl-CoA dehydrogenase deficiency. Last evaluated: 2018-01-12. Review status: criteria provided, single submitter. Criteria: ICSL Variant Classification Criteria 13 December 2019. Collection method: clinical testing. Allele origin: germline.
Comment: This variant was observed in the ICSL laboratory as part of a predisposition screen in an ostensibly healthy population. It had not been previously curated by ICSL or reported in the Human Gene Mutation Database (HGMD: prior to June 1st, 2018), and was therefore a candidate for classification through an automated scoring system. Utilizing variant allele frequency, disease prevalence and penetrance estimates, and inheritance mode, an automated score was calculated to assess if this variant is too frequent to cause the disease. Based on the score and internal cut-off values, a variant classified as benign is not then subjected to further curation. The score for this variant resulted in a classification of benign for this disease.

GeneDx
Classification: Benign. Last evaluated: 2016-02-22. Review status: criteria provided, single submitter. Criteria: GeneDx Variant Classification (06012015). Collection method: clinical testing. Allele origin: germline. Affected: yes.
Comment: This variant is considered likely benign or benign based on one or more of the following criteria: it is a conservative change, it occurs at a poorly conserved position in the protein, it is predicted to be benign by multiple in silico algorithms, and/or has population frequency not consistent with disease.

Eurofins Ntd Llc (ga)
Classification: Benign. Last evaluated: 2015-11-22. Review status: criteria provided, single submitter. Criteria: EGL Classification Definitions 2015. Collection method: clinical testing. Allele origin: germline. Observed: 2 variant alleles, 2 heterozygotes.

Breakthrough Genomics
Classification: Benign. Review status: criteria provided, single submitter. Criteria: ACMG Guidelines, 2015. Collection method: not provided. Allele origin: germline. Inheritance: Autosomal recessive inheritance. Affected: yes.

PreventionGenetics, part of Exact Sciences
Classification: Benign. Review status: criteria provided, single submitter. Criteria: ACMG Guidelines, 2015. Collection method: clinical testing. Allele origin: germline.

Natera, Inc.
Classification: Likely benign for Isovaleryl-coa dehydrogenase deficiency. Last evaluated: 2017-04-26. Review status: no assertion criteria provided. Collection method: clinical testing. Allele origin: germline. Not counted in ClinVar's aggregate classification.